The following is an entry in ClinVar:

NM_000492.4(CFTR):c.3933T>G (p.Ser1311Arg)

Gene: CFTR (CF transmembrane conductance regulator; plus strand). Cytogenetic location: 7q31.2.
Variant type: single nucleotide variant.
Coding change: c.3933T>G on transcript NM_000492.4 (MANE Select); coding-DNA position 3933, T replaced by G.
Protein change: p.Ser1311Arg; replaces serine 1311 with arginine.
Molecular consequence: missense variant.
Genome position (GRCh38, 1-based): chr7:117,652,901, T>G. VCF-style: chr7-117652901-T-G. GRCh37 (hg19) VCF-style: chr7-117292955-T-G.
Other names: short protein forms S1311R.
Identifiers: ClinVar variation 497637 (VCV000497637.8), dbSNP rs962313398, ClinGen allele CA164952771.

ClinVar aggregate classification (germline): Uncertain significance. Review status: criteria provided, multiple submitters, no conflicts (2 of 4 stars). 2 submissions from 2 submitters: Uncertain significance (2). Last evaluated 2024-07-25.

Conditions:
Cystic fibrosis (CF). Also called: MUCOVISCIDOSIS. Identifiers: Orphanet 586, MedGen C0010674, MONDO:0009061, OMIM 219700. Disease mechanism: loss of function.

Allele frequency attached by ClinVar (database versions not stated): gnomAD 0.00003; gnomAD exomes below 0.00001; TOPMed 0.00002.
gnomAD v4.1: 8 of 1,606,504 alleles (0.0005%); highest among the groups gnomAD compares: African/African-American, 0.008%; no homozygotes.

Submissions (2):

Ambry Genetics
Classification: Uncertain significance for Cystic fibrosis. Last evaluated: 2024-07-25. Review status: criteria provided, single submitter. Criteria: Ambry Variant Classification Scheme 2023. Collection method: clinical testing. Allele origin: germline.
Comment: The p.S1311R variant (also known as c.3933T>G), located in coding exon 24 of the CFTR gene, results from a T to G substitution at nucleotide position 3933. The serine at codon 1311 is replaced by arginine, an amino acid with dissimilar properties. This amino acid position is not well conserved in available vertebrate species. In addition, the in silico prediction for this alteration is inconclusive. Based on the available evidence, the clinical significance of this variant remains unclear.

Eurofins Ntd Llc (ga)
Classification: Uncertain significance. Last evaluated: 2016-09-27. Review status: criteria provided, single submitter. Criteria: EGL Classification Definitions 2015. Collection method: clinical testing. Allele origin: germline. Observed: 1 variant allele, 1 heterozygote.